The following is an entry in ClinVar:

NM_001953.5(TYMP):c.582_583insTATAAGAGACAGT (p.Asp195delinsTyrLysArgGlnTer)

Gene: TYMP (thymidine phosphorylase; minus strand). Cytogenetic location: 22q13.33.
Variant type: Insertion.
Coding change: c.582_583insTATAAGAGACAGT on transcript NM_001953.5 (MANE Select); coding-DNA positions 582 to 583, TATAAGAGACAGT inserted.
Protein change: p.Asp195delinsTyrLysArgGlnTer.
Molecular consequence: nonsense.
Genome position: GRCh38 VCF-style: chr22-50527651-C-CACTGTCTCTTATA. GRCh37 (hg19) VCF-style: chr22-50966080-C-CACTGTCTCTTATA.
Other names: c.582_583insTATAAGAGACAGT, p.Asp195delinsTyrLysArgGlnTer (NM_001113755.3, NM_001113756.3, NM_001257988.1 and 1 more transcripts).
Identifiers: ClinVar variation 5010902 (VCV005010902.1).

ClinVar aggregate classification (germline): Pathogenic (1 of 4 stars; one submission).

Conditions:
Mitochondrial DNA depletion syndrome 1. Also called: POLIP SYNDROME; POLYNEUROPATHY, OPHTHALMOPLEGIA, LEUKOENCEPHALOPATHY, AND INTESTINAL PSEUDOOBSTRUCTION; Mitochondrial Neurogastrointestinal Encephalopathy Disease; MITOCHONDRIAL NEUROGASTROINTESTINAL ENCEPHALOPATHY SYNDROME, TYMP-RELATED; MNGIE, TYMP-RELATED; Mitochondrial neurogastrointestinal encephalomyopathy syndrome. Identifiers: Orphanet 298, MedGen C4551995, MONDO:0011283, OMIM 603041.

Submission:

Myriad Genetics, Inc.
Classification: Pathogenic for Mitochondrial DNA depletion syndrome 1. Last evaluated: 2026-03-19. Review status: criteria provided, single submitter. Criteria: Myriad Autosomal Dominant, Autosomal Recessive and X-Linked Classification Criteria (2023). Collection method: clinical testing. Allele origin: unknown.
Comment: NM_001953.4(TYMP):c.582_583ins13(D195Yfs*5) is expected to be pathogenic in the context of mitochondrial neurogastrointestinal encephalopathy disease. This variant is predicted to lead to an abnormal or absent protein product due to the creation of a premature termination codon in TYMP, a gene where loss-of-function variants are known to be pathogenic. Please note: this variant was assessed in the context of healthy population screening.